The following is an entry in ClinVar:

ClinVar aggregate classification (germline): Uncertain significance. Review status: criteria provided, multiple submitters, no conflicts (2 of 4 stars). 2 submissions from 2 submitters: Uncertain significance (2). Last evaluated 2022-03-13.

Conditions:
Hereditary cancer-predisposing syndrome. Also called: Hereditary neoplastic syndrome; Neoplastic Syndromes, Hereditary; Hereditary Cancer Syndrome; Tumor predisposition. Identifiers: Orphanet 140162, MedGen C0027672, MeSH D009386, MONDO:0015356.
Familial cancer of breast. Also called: BREAST CANCER, FAMILIAL; Hereditary breast cancer; hereditary breast carcinoma. Identifiers: Orphanet 227535, MedGen C0346153, MONDO:0016419, OMIM 114480. Disease mechanism: loss of function.

Submissions (2):

Labcorp Genetics (formerly Invitae), Labcorp
Classification: Uncertain significance for Familial cancer of breast. Last evaluated: 2022-03-13. Review status: criteria provided, single submitter. Criteria: Invitae Variant Classification Sherloc (09022015). Collection method: clinical testing. Allele origin: germline.
Comment: This sequence change replaces isoleucine, which is neutral and non-polar, with phenylalanine, which is neutral and non-polar, at codon 1139 of the PALB2 protein (p.Ile1139Phe). In summary, the available evidence is currently insufficient to determine the role of this variant in disease. Therefore, it has been classified as a Variant of Uncertain Significance. Algorithms developed to predict the effect of missense changes on protein structure and function (SIFT, PolyPhen-2, Align-GVGD) all suggest that this variant is likely to be tolerated. ClinVar contains an entry for this variant (Variation ID: 530122). This variant has not been reported in the literature in individuals affected with PALB2-related conditions. This variant is not present in population databases (gnomAD no frequency).

Color Diagnostics, LLC DBA Color Health
Classification: Uncertain significance for Hereditary cancer-predisposing syndrome. Last evaluated: 2019-05-24. Review status: criteria provided, single submitter. Criteria: ACMG Guidelines, 2015. Collection method: clinical testing. Allele origin: germline.

NM_024675.4(PALB2):c.3415A>T (p.Ile1139Phe)

Gene: PALB2 (partner and localizer of BRCA2; minus strand). Cytogenetic location: 16p12.2.
Variant type: single nucleotide variant.
Coding change: c.3415A>T on transcript NM_024675.4 (MANE Select); coding-DNA position 3415, A replaced by T.
Protein change: p.Ile1139Phe; replaces isoleucine 1139 with phenylalanine.
Molecular consequence: missense variant.
Genome position (GRCh38, 1-based): chr16:23,603,605, T>A on the plus strand (A>T on the coding strand, the complement: PALB2 is on the minus strand). VCF-style: chr16-23603605-T-A. GRCh37 (hg19) VCF-style: chr16-23614926-T-A.
Other names: short protein forms I1139F.
Identifiers: ClinVar variation 530122 (VCV000530122.12), dbSNP rs1249960937, ClinGen allele CA395138219.